The following is an entry in ClinVar:

ClinVar aggregate classification (germline): Benign. Review status: criteria provided, multiple submitters, no conflicts (2 of 4 stars). 10 submissions from 9 submitters: Benign (7). 3 of the submissions do not count toward it. Last evaluated 2025-02-01.

Conditions:
Tuberous sclerosis syndrome (TSC). Also called: Tuberous Sclerosis Complex; Tuberous sclerosis. Identifiers: Orphanet 805, MedGen C0041341, MONDO:0001734.
Polycystic kidney disease, adult type (PKD1). Also called: Polycystic Kidney Disease 1, Autosomal Dominant; Polycystic kidney disease 1; Polycystic kidney disease 1, severe; Polycystic Kidney, Autosomal Dominant; POLYCYSTIC KIDNEY DISEASE 1 WITH OR WITHOUT POLYCYSTIC LIVER DISEASE; POLYCYSTIC KIDNEY DISEASE, ADULT, TYPE I. Identifiers: MedGen C3149841, MONDO:0008263, OMIM 173900.
Tuberous sclerosis 2 (TSC2). Identifiers: Orphanet 805, MedGen C1860707, MONDO:0013199, OMIM 613254.

Allele frequency attached by ClinVar (database versions not stated): ESP Exome Variant Server 0.23130; ExAC 0.12096; 1000 Genomes Project 0.20088; 1000 Genomes Project 30x 0.21252; TOPMed 0.23120.
gnomAD v4.1: 188,842 of 1,612,392 alleles (12%); highest among the groups gnomAD compares: African/African-American, 50%; 17,989 homozygotes.

Submissions (10):

KCCC/NGS Laboratory, Kuwait Cancer Control Center
Classification: Benign for Polycystic kidney disease, adult type. Last evaluated: 2025-02-01. Review status: criteria provided, single submitter. Criteria: ACMG Guidelines, 2015. Collection method: clinical testing. Allele origin: germline. Affected: no.

Unidad de Genómica Garrahan, Hospital de Pediatría Garrahan
Classification: Benign. Last evaluated: 2024-07-15. Review status: criteria provided, single submitter. Criteria: ACMG Guidelines, 2015. Collection method: clinical testing. Allele origin: germline. Affected: no. Observed: 25 variant alleles.
Comment: This variant is classified as Benign based on local population frequency. This variant was detected in 27% of patients studied in a panel designed for Epileptic and Developmental Encephalopathy and Progressive Myoclonus Epilepsy. Number of patients: 25. Only high quality variants are reported.

KCCC/NGS Laboratory, Kuwait Cancer Control Center
Classification: Benign for Tuberous sclerosis 2. Last evaluated: 2023-07-07. Review status: criteria provided, single submitter. Criteria: ACMG Guidelines, 2015. Collection method: clinical testing. Allele origin: germline. Affected: yes.

GeneDx
Classification: Benign. Last evaluated: 2018-06-19. Review status: criteria provided, single submitter. Criteria: GeneDx Variant Classification (06012015). Collection method: clinical testing. Allele origin: germline. Affected: yes.
Comment: This variant is considered likely benign or benign based on one or more of the following criteria: it is a conservative change, it occurs at a poorly conserved position in the protein, it is predicted to be benign by multiple in silico algorithms, and/or has population frequency not consistent with disease.

Athena Diagnostics
Classification: Benign for Tuberous sclerosis 2. Last evaluated: 2017-05-08. Review status: criteria provided, single submitter. Criteria: Athena Diagnostics Criteria. Collection method: clinical testing. Allele origin: germline.

Breakthrough Genomics
Classification: Benign. Review status: criteria provided, single submitter. Criteria: ACMG Guidelines, 2015. Collection method: not provided. Allele origin: germline. Inheritance: Autosomal dominant inheritance. Affected: yes.

PreventionGenetics, part of Exact Sciences
Classification: Benign. Review status: criteria provided, single submitter. Criteria: ACMG Guidelines, 2015. Collection method: clinical testing. Allele origin: germline.

Clinical Genetics DNA and cytogenetics Diagnostics Lab, Erasmus MC, Erasmus Medical Center
Classification: Benign. Review status: no assertion criteria provided. Collection method: clinical testing. Allele origin: germline. Affected: yes. Study: VKGL Data-share Consensus. Not counted in ClinVar's aggregate classification.

Genome Diagnostics Laboratory, University Medical Center Utrecht
Classification: Benign. Review status: no assertion criteria provided. Collection method: clinical testing. Allele origin: germline. Affected: yes. Study: VKGL Data-share Consensus. Not counted in ClinVar's aggregate classification.

Tuberous sclerosis database (TSC2)
No classification provided. Condition: TSC. Review status: no classification provided. Criteria: Tuberous Sclerosis Database Assertion Criteria 2015. Collection method: curation. Allele origin: germline. Affected: yes. Not counted in ClinVar's aggregate classification.

NM_000548.5(TSC2):c.5260-25C>G

Genes: PKD1 (polycystin 1, transient receptor potential channel interacting; minus strand), TSC2 (TSC complex subunit 2; plus strand). Cytogenetic location: 16p13.3.
Variant type: single nucleotide variant.
Coding change: c.5260-25C>G on transcript NM_000548.5 (MANE Select); 25 bases into the intron before coding-DNA position 5260, C replaced by G.
Molecular consequence: intron variant.
Genome position (GRCh38, 1-based): chr16:2,088,421, C>G. VCF-style: chr16-2088421-C-G. GRCh37 (hg19) VCF-style: chr16-2138422-C-G.
Other names: c.5260-25C>G (NM_000548.4); c.5191-25C>G (NM_001114382.3); c.5131-25C>G (NM_021055.3); c.5119-25C>G (NM_001370405.1); c.5062-25C>G (NM_001363528.2); c.5128-25C>G (NM_001370404.1); c.5059-25C>G (NM_001077183.3); c.4951-25C>G (NM_001318827.2); and 3 more.
Identifiers: ClinVar variation 49976 (VCV000049976.10), dbSNP rs13332222, ClinGen allele CA022327.